The following is an entry in ClinVar:

NM_001197104.2(KMT2A):c.8115_8116dup (p.Phe2706fs)

Gene: KMT2A (lysine methyltransferase 2A; plus strand). Cytogenetic location: 11q23.3.
Variant type: Duplication.
Coding change: c.8115_8116dup on transcript NM_001197104.2 (MANE Select); coding-DNA positions 8115 to 8116, 2 bases duplicated (AT; older notation c.8115_8116dupAT).
Protein change: p.Phe2706fs; shifts the reading frame from phenylalanine 2706.
Molecular consequence: frameshift variant.
Genome position (GRCh38, 1-based): chr11:118,504,007-118,504,008, AT duplicated; duplicating any 2 consecutive bases within chr11:118,504,006-118,504,008 gives the same sequence; the c. name uses the placement nearest the transcript's 3' end. VCF-style (leftmost placement, unchanged base first): chr11-118504005-T-TTA. GRCh37 (hg19) VCF-style: chr11-118374720-T-TTA.
Other names: c.8205_8206dup, p.Phe2736fs (NM_001412597.1); c.8106_8107dup, p.Phe2703fs (NM_005933.4); short protein forms F2703fs, F2706fs, F2736fs.
Identifiers: ClinVar variation 4880706 (VCV004880706.2).

ClinVar aggregate classification (germline): Likely pathogenic (1 of 4 stars; one submission).

Submission:

Dasa
Classification: Likely pathogenic. Last evaluated: 2026-04-10. Review status: criteria provided, single submitter. Criteria: DASA Assertion Criteria. Collection method: clinical testing. Allele origin: germline.
Comment: NM_001197104.2(KMT2A):c.8115_8116dup (p.Phe2706Tyrfs*52) is a frameshift variant in KMT2A predicted to alter the reading frame and introduce a premature termination codon and is predicted to result in an absent or altered protein product. Loss of function is an established disease mechanism for KMT2A (PMID: 22795537; PMID: 24818805; PMID: 27759909). Also, this variant is rare in population databases. Based on the currently available evidence, this variant is classified as likely pathogenic.

Literature cited by the submitters: PubMed 22795537; PubMed 24818805; PubMed 27759909.